The following is an entry in ClinVar:

ClinVar aggregate classification (germline): Pathogenic. Review status: criteria provided, multiple submitters, no conflicts (2 of 4 stars). 2 submissions from 2 submitters: Pathogenic (2). Last evaluated 2025-01-29.

Conditions:
VPS13A-related neurodegenerative disease. Also called: LEVINE-CRITCHLEY SYNDROME; VPS13A Disease; ACANTHOCYTOSIS WITH NEUROLOGIC DISORDER; Choreaacanthocytosis; Choreoacanthocytosis; Chorea-acanthocytosis. Identifiers: Orphanet 2388, MedGen C0393576, MONDO:0008695, OMIM 200150.

Submissions (2):

Myriad Genetics, Inc.
Classification: Pathogenic for VPS13A-related neurodegenerative disease. Last evaluated: 2025-01-29. Review status: criteria provided, single submitter. Criteria: Myriad Autosomal Dominant, Autosomal Recessive and X-Linked Classification Criteria (2023). Collection method: clinical testing. Allele origin: unknown.
Comment: NM_033305.2(VPS13A):c.6581T>G(L2194*) is expected to be pathogenic in the context of VPS13A disease. This variant is predicted to lead to an abnormal or absent protein product due to the creation of a premature termination codon in VPS13A, a gene where loss-of-function variants are known to be pathogenic. Please note: this variant was assessed in the context of healthy population screening.

Labcorp Genetics (formerly Invitae), Labcorp
Classification: Pathogenic. Last evaluated: 2019-12-31. Review status: criteria provided, single submitter. Criteria: Invitae Variant Classification Sherloc (09022015). Collection method: clinical testing. Allele origin: germline.
Comment: This variant has not been reported in the literature in individuals with VPS13A-related conditions. This variant is not present in population databases (ExAC no frequency). This sequence change creates a premature translational stop signal (p.Leu2194*) in the VPS13A gene. It is expected to result in an absent or disrupted protein product. Loss-of-function variants in VPS13A are known to be pathogenic (PMID: 12404112, 21598378). For these reasons, this variant has been classified as Pathogenic.

Literature cited by the submitters: PubMed 12404112 (cited by Labcorp Genetics (formerly Invitae), Labcorp); PubMed 21598378 (cited by Labcorp Genetics (formerly Invitae), Labcorp).

NM_033305.3(VPS13A):c.6581T>G (p.Leu2194Ter)

Gene: VPS13A (vacuolar protein sorting 13 homolog A; plus strand). Cytogenetic location: 9q21.2.
Variant type: single nucleotide variant.
Coding change: c.6581T>G on transcript NM_033305.3 (MANE Select); coding-DNA position 6581, T replaced by G.
Protein change: p.Leu2194Ter; replaces leucine 2194 with a stop codon.
Molecular consequence: nonsense.
Genome position (GRCh38, 1-based): chr9:77,339,718, T>G. VCF-style: chr9-77339718-T-G. GRCh37 (hg19) VCF-style: chr9-79954634-T-G.
Other names: c.6464T>G, p.Leu2155Ter (NM_001018037.2); c.6581T>G, p.Leu2194Ter (NM_001018038.3, NM_015186.4); short protein forms L2155*, L2194*.
Identifiers: ClinVar variation 851400 (VCV000851400.9), dbSNP rs1830715603, ClinGen allele CA373851146.